The following is an entry in ClinVar:

NM_198252.3(GSN):c.1093A>G (p.Asn365Asp)

Gene: GSN (gelsolin; plus strand). Cytogenetic location: 9q33.2.
Variant type: single nucleotide variant.
Coding change: c.1093A>G on transcript NM_198252.3 (MANE Select); coding-DNA position 1093, A replaced by G.
Protein change: p.Asn365Asp; replaces asparagine 365 with aspartic acid.
Molecular consequence: missense variant.
Genome position (GRCh38, 1-based): chr9:121,318,782, A>G. VCF-style: chr9-121318782-A-G. GRCh37 (hg19) VCF-style: chr9-124081060-A-G.
Other names: c.1246A>G, p.Asn416Asp (NM_000177.5); c.1093A>G, p.Asn365Asp (NM_001127662.2, NM_001127664.2, NM_001127665.2 and 10 more transcripts); c.1201A>G, p.Asn401Asp (NM_001127663.2); c.1126A>G, p.Asn376Asp (NM_001127666.2, NM_001127667.2, NM_001353063.2 and 13 more transcripts); c.1144A>G, p.Asn382Asp (NM_001258029.2); c.1117A>G, p.Asn373Asp (NM_001258030.2); c.1165A>G, p.Asn389Asp (NM_001353076.2); c.439A>G, p.Asn147Asp (NM_001353078.2); short protein forms N147D, N373D, N365D, N376D, N382D, N401D, N416D, N389D.
Identifiers: ClinVar variation 2089291 (VCV002089291.4), dbSNP rs2540976800, ClinGen allele CA374747654.

ClinVar aggregate classification (germline): Uncertain significance (1 of 4 stars; one submission).

Submission:

Labcorp Genetics (formerly Invitae), Labcorp
Classification: Uncertain significance. Last evaluated: 2022-01-23. Review status: criteria provided, single submitter. Criteria: Invitae Variant Classification Sherloc (09022015). Collection method: clinical testing. Allele origin: germline.
Comment: In summary, the available evidence is currently insufficient to determine the role of this variant in disease. Therefore, it has been classified as a Variant of Uncertain Significance. Algorithms developed to predict the effect of missense changes on protein structure and function (SIFT, PolyPhen-2, Align-GVGD) all suggest that this variant is likely to be tolerated. This variant has not been reported in the literature in individuals affected with GSN-related conditions. This variant is not present in population databases (gnomAD no frequency). This sequence change replaces asparagine, which is neutral and polar, with aspartic acid, which is acidic and polar, at codon 416 of the GSN protein (p.Asn416Asp).